The following is an entry in ClinVar:

ClinVar aggregate classification (germline): Likely benign (1 of 4 stars; one submission).

gnomAD v4.1: 1 of 1,614,076 alleles (0.000062%); highest among the groups gnomAD compares: Admixed American, 0.0017%; no homozygotes.

Submission:

CeGaT Center for Human Genetics Tuebingen
Classification: Likely benign. Last evaluated: 2026-03-01. Review status: criteria provided, single submitter. Criteria: CeGaT Center For Human Genetics Tuebingen Variant Classification Criteria Version 2. Collection method: clinical testing. Allele origin: germline. Affected: yes. Observed: 1 variant allele.
Comment: CLTC: BP4, BP7

NM_004859.4(CLTC):c.3585T>C (p.Asn1195=)

Gene: CLTC (clathrin heavy chain; plus strand). Cytogenetic location: 17q23.1.
Variant type: single nucleotide variant.
Coding change: c.3585T>C on transcript NM_004859.4 (MANE Select); coding-DNA position 3585, T replaced by C.
Protein change: p.Asn1195=; no amino-acid change (asparagine 1195 retained).
Molecular consequence: synonymous variant.
Genome position (GRCh38, 1-based): chr17:59,682,413, T>C. VCF-style: chr17-59682413-T-C. GRCh37 (hg19) VCF-style: chr17-57759774-T-C.
Other names: c.3597T>C, p.Asn1199= (NM_001288653.2).
Identifiers: ClinVar variation 4823727 (VCV004823727.4).
Genomic context (GRCh38, chr17:59,682,413, plus strand): 5'-CGCACTGGCTAAAACAAACCGCCTTGCAGAGTTAGAAGAATTTATCAATGGACCAAATAA[T>C]GCTCATATCCAACAAGTGGGTTTCCTTTTCAGATTTAAGAAAAACTAGTTGGGCTACTTG-3'
Protein context (NP_004850.1, residues 1185-1205): ELEEFINGPN[Asn1195=]AHIQQVGDRC